The following is an entry in ClinVar:

ClinVar aggregate classification (germline): Uncertain significance (1 of 4 stars; one submission).

Conditions:
Familial cancer of breast. Also called: hereditary breast carcinoma; Hereditary breast cancer; BREAST CANCER, FAMILIAL. Identifiers: Orphanet 227535, MedGen C0346153, MONDO:0016419, OMIM 114480. Disease mechanism: loss of function.

Submission:

Labcorp Genetics (formerly Invitae), Labcorp
Classification: Uncertain significance for Familial cancer of breast. Last evaluated: 2021-05-08. Review status: criteria provided, single submitter. Criteria: Invitae Variant Classification Sherloc (09022015). Collection method: clinical testing. Allele origin: germline.
Comment: This variant is not present in population databases (ExAC no frequency). This variant has not been reported in the literature in individuals with CHEK2-related conditions. This sequence change replaces valine with alanine at codon 542 of the CHEK2 protein (p.Val542Ala). The valine residue is moderately conserved and there is a small physicochemical difference between valine and alanine. Algorithms developed to predict the effect of missense changes on protein structure and function output the following: SIFT: "Tolerated"; PolyPhen-2: "Benign"; Align-GVGD: "Class C0". The alanine amino acid residue is found in multiple mammalian species, suggesting that this missense change does not adversely affect protein function. These predictions have not been confirmed by published functional studies and their clinical significance is uncertain. In summary, the available evidence is currently insufficient to determine the role of this variant in disease. Therefore, it has been classified as a Variant of Uncertain Significance.

NM_007194.4(CHEK2):c.1625T>C (p.Val542Ala)

Gene: CHEK2 (checkpoint kinase 2; minus strand). Cytogenetic location: 22q12.1.
Variant type: single nucleotide variant.
Coding change: c.1625T>C on transcript NM_007194.4 (MANE Select); coding-DNA position 1625, T replaced by C.
Protein change: p.Val542Ala; replaces valine 542 with alanine.
Molecular consequence: missense variant.
Genome position (GRCh38, 1-based): chr22:28,687,904, A>G on the plus strand (T>C on the coding strand, the complement: CHEK2 is on the minus strand). VCF-style: chr22-28687904-A-G. GRCh37 (hg19) VCF-style: chr22-29083892-A-G.
Other names: c.1754T>C, p.Val585Ala (NM_001005735.3); c.962T>C, p.Val321Ala (NM_001257387.3); c.1424T>C, p.Val475Ala (NM_001349956.3); c.1538T>C, p.Val513Ala (NM_145862.3); short protein forms V321A, V513A, V475A, V585A, V542A.
Identifiers: ClinVar variation 1507744 (VCV001507744.9), dbSNP rs2145736771, ClinGen allele CA411090969.